The following is an entry in ClinVar:

ClinVar aggregate classification (germline): Uncertain significance (1 of 4 stars; one submission).

Conditions:
Cardiovascular phenotype. Identifiers: MedGen CN230736.

gnomAD v4.1: 3 of 1,614,078 alleles (0.00019%); highest among the groups gnomAD compares: Non-Finnish European, 0.00025%; no homozygotes.

Submission:

Ambry Genetics
Classification: Uncertain significance for Cardiovascular phenotype. Last evaluated: 2024-11-01. Review status: criteria provided, single submitter. Criteria: Ambry Variant Classification Scheme 2023. Collection method: clinical testing. Allele origin: germline.
Comment: The p.G3455R variant (also known as c.10363G>A), located in coding exon 38 of the ANK2 gene, results from a G to A substitution at nucleotide position 10363. The glycine at codon 3455 is replaced by arginine, an amino acid with dissimilar properties. This amino acid position is conserved. In addition, the in silico prediction for this alteration is inconclusive. Based on the available evidence, the clinical significance of this variant remains unclear.

NM_001148.6(ANK2):c.10363G>A (p.Gly3455Arg)

Gene: ANK2 (ankyrin 2; plus strand). Cytogenetic location: 4q26.
Variant type: single nucleotide variant.
Coding change: c.10363G>A on transcript NM_001148.6 (MANE Select); coding-DNA position 10363, G replaced by A.
Protein change: p.Gly3455Arg; replaces glycine 3455 with arginine.
Molecular consequence: missense variant. On other transcripts: intron variant (68).
Genome position (GRCh38, 1-based): chr4:113,358,981, G>A. VCF-style: chr4-113358981-G-A. GRCh37 (hg19) VCF-style: chr4-114280137-G-A.
Other names: c.10129G>A, p.Gly3377Arg (NM_001386142.1); c.6763G>A, p.Gly2255Arg (NM_001386166.1); c.10504G>A, p.Gly3502Arg (NM_001386174.1); c.10480G>A, p.Gly3494Arg (NM_001386175.1); c.4412-1842G>A (NM_001386186.2, NM_001386148.2); c.4214-1842G>A (NM_001354269.3); c.4292-1842G>A (NM_001386187.2); c.4253-1842G>A (NM_001386147.1); and 35 more; short protein forms G3494R, G3377R, G3455R, G3502R, G2255R.
Identifiers: ClinVar variation 3540491 (VCV003540491.1).
Genomic context (GRCh38, chr4:113,358,981, plus strand): 5'-CCAAAGATACTTACATCCCGATTGCCAGTTAAGAGCAGAAGCACTACATCTTCCTGCAGG[G>A]GGGGCACGAGCCCCACAAAAGAAAGTAAGGAGCATTTCTTTGACCTTTACAGAAATTCCA-3'
Protein context (NP_001139.3, residues 3445-3465): KSRSTTSSCR[Gly3455Arg]GTSPTKESKE